The following is an entry in ClinVar:

NM_000059.4(BRCA2):c.632-1186T>C

Gene: BRCA2 (BRCA2 DNA repair associated; plus strand). Cytogenetic location: 13q13.1.
Variant type: single nucleotide variant.
Coding change: c.632-1186T>C on transcript NM_000059.4 (MANE Select); 1186 bases into the intron before coding-DNA position 632, T replaced by C.
Molecular consequence: intron variant.
Genome position (GRCh38, 1-based): chr13:32,328,257, T>C. VCF-style: chr13-32328257-T-C. GRCh37 (hg19) VCF-style: chr13-32902394-T-C.
Other names: IVS 7-1186T>C.
Identifiers: ClinVar variation 209659 (VCV000209659.1), dbSNP rs12869544, ClinGen allele CA276628.

ClinVar aggregate classification (germline): Benign (3 of 4 stars; one submission).

Conditions:
Breast-ovarian cancer, familial, susceptibility to, 2 (BROVCA2). Also called: BRCA2 Hereditary Breast and Ovarian Cancer. Identifiers: Orphanet 145, MedGen C2675520, MONDO:0012933, OMIM 612555. Disease mechanism: loss of function.

Allele frequency attached by ClinVar (database versions not stated): 1000 Genomes Project 0.25359; gnomAD 0.26513 and 0.26862.
gnomAD v4.1: 40,314 of 150,422 alleles (27%); highest among the groups gnomAD compares: East Asian, 40%; 5,639 homozygotes.

Submission:

Evidence-based Network for the Interpretation of Germline Mutant Alleles (ENIGMA)
Classification: Benign for Breast-ovarian cancer, familial 2. Last evaluated: 2015-01-12. Review status: reviewed by expert panel. Criteria: ENIGMA BRCA1/2 Classification Criteria (2015). Collection method: curation. Allele origin: germline.
Comment: Class 1 not pathogenic based on frequency >1% in an outbred sampleset. Frequency 0.3724 (Asian), 0.122 (African), 0.277 (European), derived from 1000 genomes (2012-04-30).